The following is an entry in ClinVar:

ClinVar aggregate classification (germline): Uncertain significance (1 of 4 stars; one submission).

gnomAD v4.1: 24 of 1,614,210 alleles (0.0015%); highest among the groups gnomAD compares: East Asian, 0.031%; no homozygotes.

Submission:

GeneDx
Classification: Uncertain significance. Last evaluated: 2026-08-27. Review status: criteria provided, single submitter. Criteria: GeneDx Variant Classification Process June 2021. Collection method: clinical testing. Allele origin: germline.
Comment: Reported in the published literature in a patient with heterotaxy (PMID: 33196317); In silico analysis supports that this missense variant has a deleterious effect on protein structure/function; This variant is associated with the following publications: (PMID: 33196317, 39791913)

NM_017721.5(CC2D1A):c.575C>T (p.Pro192Leu)

Gene: CC2D1A (coiled-coil and C2 domain containing 1A; plus strand). Cytogenetic location: 19p13.12.
Variant type: single nucleotide variant.
Coding change: c.575C>T on transcript NM_017721.5 (MANE Select); coding-DNA position 575, C replaced by T.
Protein change: p.Pro192Leu; replaces proline 192 with leucine.
Molecular consequence: missense variant.
Genome position (GRCh38, 1-based): chr19:13,913,465, C>T. VCF-style: chr19-13913465-C-T. GRCh37 (hg19) VCF-style: chr19-14024278-C-T.
Other names: c.575C>T, p.Pro192Leu (NM_001411138.1); short protein forms P192L.
Identifiers: ClinVar variation 3906498 (VCV003906498.2).
Genomic context (GRCh38, chr19:13,913,465, plus strand): 5'-CACTGGAAAACCTGCTCGCCTCCATCCGTAAGGGCAATGCCATTGACGAAGCGGACATCC[C>T]GCCGCCAGTGGCCATAGGAAAAGGCCCGGCGTCCACGCCTACCTACAGCCCTGCACCCAC-3'
Protein context (NP_060191.3, residues 182-202): KGNAIDEADI[Pro192Leu]PPVAIGKGPA